The following is an entry in ClinVar:

ClinVar aggregate classification (germline): Uncertain significance. Review status: criteria provided, multiple submitters, no conflicts (2 of 4 stars). 3 submissions from 3 submitters: Uncertain significance (3). Last evaluated 2025-01-09.

Conditions:
Nephronophthisis. Also called: Juvenile Nephronophthisis. Identifiers: Orphanet 655, MedGen C0687120, MONDO:0019005, HP:0000090.
Inborn genetic diseases. Identifiers: MedGen C0950123, MeSH D030342.

Allele frequency attached by ClinVar (database versions not stated): gnomAD exomes below 0.00001 and 0.00001; ExAC 0.00001; gnomAD 0.00001; TOPMed 0.00001.
gnomAD v4.1: 12 of 1,613,846 alleles (0.00074%); highest among the groups gnomAD compares: Non-Finnish European, 0.001%; no homozygotes.

Submissions (3):

Ambry Genetics
Classification: Uncertain significance for Inborn genetic diseases. Last evaluated: 2025-01-09. Review status: criteria provided, single submitter. Criteria: Ambry Variant Classification Scheme 2023. Collection method: clinical testing. Allele origin: germline.

Labcorp Genetics (formerly Invitae), Labcorp
Classification: Uncertain significance for Nephronophthisis. Last evaluated: 2024-01-08. Review status: criteria provided, single submitter. Criteria: Invitae Variant Classification Sherloc (09022015). Collection method: clinical testing. Allele origin: germline.
Comment: This sequence change replaces glycine, which is neutral and non-polar, with cysteine, which is neutral and slightly polar, at codon 333 of the INVS protein (p.Gly333Cys). This variant is present in population databases (rs746333759, gnomAD 0.007%). This variant has not been reported in the literature in individuals affected with INVS-related conditions. ClinVar contains an entry for this variant (Variation ID: 1063133). An algorithm developed to predict the effect of missense changes on protein structure and function (PolyPhen-2) suggests that this variant is likely to be disruptive. In summary, the available evidence is currently insufficient to determine the role of this variant in disease. Therefore, it has been classified as a Variant of Uncertain Significance.

Breakthrough Genomics
Classification: Uncertain significance. Review status: criteria provided, single submitter. Criteria: ACMG Guidelines, 2015. Collection method: not provided. Allele origin: germline. Inheritance: Autosomal recessive inheritance. Affected: yes.

NM_014425.5(INVS):c.997G>T (p.Gly333Cys)

Gene: INVS (inversin; plus strand). Cytogenetic location: 9q31.1.
Variant type: single nucleotide variant.
Coding change: c.997G>T on transcript NM_014425.5 (MANE Select); coding-DNA position 997, G replaced by T.
Protein change: p.Gly333Cys; replaces glycine 333 with cysteine.
Molecular consequence: missense variant. On other transcripts: non-coding transcript variant (1).
Genome position (GRCh38, 1-based): chr9:100,246,706, G>T. VCF-style: chr9-100246706-G-T. GRCh37 (hg19) VCF-style: chr9-103008988-G-T.
Other names: c.709G>T, p.Gly237Cys (NM_001318381.2); c.19G>T, p.Gly7Cys (NM_001318382.2); c.997G>T (NM_014425.2); short protein forms G237C, G333C, G7C.
Identifiers: ClinVar variation 1063133 (VCV001063133.10), dbSNP rs746333759, ClinGen allele CA5158300.